The following is an entry in ClinVar:

NM_006080.3(SEMA3A):c.752C>T (p.Ala251Val)

Gene: SEMA3A (semaphorin 3A; minus strand). Cytogenetic location: 7q21.11.
Variant type: single nucleotide variant.
Coding change: c.752C>T on transcript NM_006080.3 (MANE Select); coding-DNA position 752, C replaced by T.
Protein change: p.Ala251Val; replaces alanine 251 with valine.
Molecular consequence: missense variant.
Genome position (GRCh38, 1-based): chr7:84,014,267, G>A on the plus strand (C>T on the coding strand, the complement: SEMA3A is on the minus strand). VCF-style: chr7-84014267-G-A. GRCh37 (hg19) VCF-style: chr7-83643583-G-A.
Other names: short protein forms A251V.
Identifiers: ClinVar variation 3344801 (VCV003344801.1).

ClinVar aggregate classification (germline): Uncertain significance (0 of 4 stars; one submission).

Conditions:
SEMA3A-related disorder. Also called: SEMA3A-related condition.

gnomAD v4.1: 2 of 1,612,694 alleles (0.00012%); highest among the groups gnomAD compares: African/African-American, 0.0013%; no homozygotes.

Submission:

PreventionGenetics, part of Exact Sciences
Classification: Uncertain significance for SEMA3A-related condition. Last evaluated: 2024-04-12. Review status: no assertion criteria provided. Collection method: clinical testing. Allele origin: germline.
Comment: The SEMA3A c.752C>T variant is predicted to result in the amino acid substitution p.Ala251Val. To our knowledge, this variant has not been reported in the literature or in a large population database, indicating this variant is rare. At this time, the clinical significance of this variant is uncertain due to the absence of conclusive functional and genetic evidence.